The following is an entry in ClinVar:

ClinVar aggregate classification (germline): Uncertain significance (1 of 4 stars; one submission).

Conditions:
Werner syndrome (WRN). Identifiers: Orphanet 902, MedGen C0043119, MONDO:0010196, OMIM 277700.

Submission:

Labcorp Genetics (formerly Invitae), Labcorp
Classification: Uncertain significance for Werner syndrome. Last evaluated: 2021-01-01. Review status: criteria provided, single submitter. Criteria: Invitae Variant Classification Sherloc (09022015). Collection method: clinical testing. Allele origin: germline.
Comment: This sequence change replaces serine with asparagine at codon 1122 of the WRN protein (p.Ser1122Asn). The serine residue is weakly conserved and there is a small physicochemical difference between serine and asparagine. This variant is not present in population databases (ExAC no frequency) and has not been reported in the literature in individuals with a WRN-related disease. In summary, this variant is a novel missense change that is not predicted to affect protein function. There is no indication that it causes disease, but the available evidence is currently insufficient to prove that conclusively. Therefore, it has been classified as a Variant of Uncertain Significance. Algorithms developed to predict the effect of missense changes on protein structure and function output the following: (SIFT: "Tolerated"; PolyPhen-2: "Benign"; Align-GVGD: "Class C0"). The asparagine amino acid residue is also found in multiple mammalian species, suggesting that this missense change does not adversely affect protein function. These predictions have not been confirmed by published functional studies.

NM_000553.6(WRN):c.3365G>A (p.Ser1122Asn)

Gene: WRN (WRN RecQ like helicase; plus strand). Cytogenetic location: 8p12.
Variant type: single nucleotide variant.
Coding change: c.3365G>A on transcript NM_000553.6 (MANE Select); coding-DNA position 3365, G replaced by A.
Protein change: p.Ser1122Asn; replaces serine 1122 with asparagine.
Molecular consequence: missense variant.
Genome position (GRCh38, 1-based): chr8:31,143,605, G>A. VCF-style: chr8-31143605-G-A. GRCh37 (hg19) VCF-style: chr8-31001121-G-A.
Other names: short protein forms S1122N.
Identifiers: ClinVar variation 404031 (VCV000404031.6), dbSNP rs772205458, ClinGen allele CA16612512.
Genomic context (GRCh38, chr8:31,143,605, plus strand): 5'-TGCAGTCTAACTTGGAGAAGTTATATTCTTATAAACCATGTGATAAGATTTCTTCTGGGA[G>A]TAACATTTCTAAAAAAAGGTACAGAGTTCCATATTTCTATGTTCTATACTTGCTTTATGA-3'
Protein context (NP_000544.2, residues 1112-1132): YKPCDKISSG[Ser1122Asn]NISKKSIMVQ